The following is an entry in ClinVar:

ClinVar aggregate classification (germline): Uncertain significance (1 of 4 stars; one submission).

Submission:

Labcorp Genetics (formerly Invitae), Labcorp
Classification: Uncertain significance. Last evaluated: 2022-07-19. Review status: criteria provided, single submitter. Criteria: Invitae Variant Classification Sherloc (09022015). Collection method: clinical testing. Allele origin: germline.
Comment: ClinVar contains an entry for this variant (Variation ID: 1504995). This sequence change replaces glutamine, which is neutral and polar, with histidine, which is basic and polar, at codon 146 of the COL18A1 protein (p.Gln146His). This variant is not present in population databases (gnomAD no frequency). This variant has not been reported in the literature in individuals affected with COL18A1-related conditions. Experimental studies and prediction algorithms are not available or were not evaluated, and the functional significance of this variant is currently unknown. In summary, the available evidence is currently insufficient to determine the role of this variant in disease. Therefore, it has been classified as a Variant of Uncertain Significance.

NM_001379500.1(COL18A1):c.438G>C (p.Gln146His)

Gene: COL18A1 (collagen type XVIII alpha 1 chain; plus strand). Cytogenetic location: 21q22.3.
Variant type: single nucleotide variant.
Coding change: c.438G>C on transcript NM_001379500.1 (MANE Select); coding-DNA position 438, G replaced by C.
Protein change: p.Gln146His; replaces glutamine 146 with histidine.
Molecular consequence: missense variant.
Genome position (GRCh38, 1-based): chr21:45,468,573, G>C. VCF-style: chr21-45468573-G-C. GRCh37 (hg19) VCF-style: chr21-46888487-G-C.
Other names: c.978G>C, p.Gln326His (NM_030582.4); c.1683G>C, p.Gln561His (NM_130444.3); short protein forms Q146H, Q326H, Q561H.
Identifiers: ClinVar variation 1504995 (VCV001504995.6), dbSNP rs772587390, ClinGen allele CA410512046.